The following is an entry in ClinVar:

ClinVar aggregate classification (germline): Uncertain significance (1 of 4 stars; one submission).

gnomAD v4.1: 1 of 1,613,666 alleles (0.000062%); no homozygotes.

Submission:

Women's Health and Genetics/Laboratory Corporation of America, LabCorp
Classification: Uncertain significance. Last evaluated: 2025-10-27. Review status: criteria provided, single submitter. Criteria: LabCorp Variant Classification Summary - May 2015. Collection method: clinical testing. Allele origin: germline.
Comment: Variant summary: COL5A2 c.2254C>G (p.Pro752Ala) results in a non-conservative amino acid change in the encoded protein sequence. Algorithms developed to predict the effect of missense changes on protein structure and function are either unavailable or do not agree on the potential impact of this missense change. The variant was absent in 251368 control chromosomes. The available data on variant occurrences in the general population are insufficient to allow any conclusion about variant significance. To our knowledge, no occurrence of c.2254C>G in individuals affected with COL5A2-related conditions and no experimental evidence demonstrating its impact on protein function have been reported. No submitters have cited clinical-significance assessments for this variant to ClinVar. Based on the evidence outlined above, the variant was classified as uncertain significance.

NM_000393.5(COL5A2):c.2254C>G (p.Pro752Ala)

Gene: COL5A2 (collagen type V alpha 2 chain; minus strand). Cytogenetic location: 2q32.2.
Variant type: single nucleotide variant.
Coding change: c.2254C>G on transcript NM_000393.5 (MANE Select); coding-DNA position 2254, C replaced by G.
Protein change: p.Pro752Ala; replaces proline 752 with alanine.
Molecular consequence: missense variant.
Genome position (GRCh38, 1-based): chr2:189,057,403, G>C on the plus strand (C>G on the coding strand, the complement: COL5A2 is on the minus strand). VCF-style: chr2-189057403-G-C. GRCh37 (hg19) VCF-style: chr2-189922129-G-C.
Other names: short protein forms P752A.
Identifiers: ClinVar variation 4687757 (VCV004687757.1).